The following is an entry in ClinVar:

NM_000179.3(MSH6):c.2920del (p.Arg974fs)

Gene: MSH6 (mutS homolog 6; plus strand). Cytogenetic location: 2p16.3.
Variant type: Deletion.
Coding change: c.2920del on transcript NM_000179.3 (MANE Select); coding-DNA position 2920, one base deleted (A; older notation c.2920delA).
Protein change: p.Arg974fs; shifts the reading frame from arginine 974.
Molecular consequence: frameshift variant.
Genome position (GRCh38, 1-based): chr2:47,800,903, A deleted. VCF-style (leftmost placement, unchanged base first): chr2-47800902-TA-T. GRCh37 (hg19) VCF-style: chr2-48028041-TA-T.
Other names: c.2530del, p.Arg844fs (NM_001281492.2); c.2014del, p.Arg672fs (NM_001281493.2, NM_001281494.2); c.2920delA (NM_000179.2); short protein forms R844fs, R672fs, R974fs.
Identifiers: ClinVar variation 568666 (VCV000568666.8), dbSNP rs1558667222, ClinGen allele CA891842830.
Genomic context (GRCh38, chr2:47,800,902, plus strand): 5'-ATACCTAGAGAAACAGCGCAACAGAATTGGCTGTAGGACCATAGTCTATTGGGGGATTGG[TA>T]GGAACCGTTACCAGCTGGAAATTCCTGAGAATTTCACCACTCGCAATTTGCCAGAAGAAT-3'

ClinVar aggregate classification (germline): Pathogenic. Review status: criteria provided, multiple submitters, no conflicts (2 of 4 stars). 2 submissions from 2 submitters: Pathogenic (2). Last evaluated 2023-08-21.

Conditions:
Hereditary nonpolyposis colorectal neoplasms. Identifiers: MedGen C0009405, MeSH D003123.
Lynch syndrome 5 (LYNCH5). Also called: Hereditary non-polyposis colorectal cancer, type 5; Colorectal cancer, hereditary nonpolyposis, type 5. Identifiers: Orphanet 144, MedGen C1833477, MONDO:0013710, OMIM 614350. Disease mechanism: loss of function.

Submissions (2):

Myriad Genetics, Inc.
Classification: Pathogenic for Lynch syndrome 5. Last evaluated: 2023-08-21. Review status: criteria provided, single submitter. Criteria: Myriad Autosomal Dominant, Autosomal Recessive and X-Linked Classification Criteria (2023). Collection method: clinical testing. Allele origin: unknown.
Comment: This variant is considered pathogenic. This variant creates a frameshift predicted to result in premature protein truncation.

Labcorp Genetics (formerly Invitae), Labcorp
Classification: Pathogenic for Hereditary nonpolyposis colorectal neoplasms. Last evaluated: 2018-04-09. Review status: criteria provided, single submitter. Criteria: Invitae Variant Classification Sherloc (09022015). Collection method: clinical testing. Allele origin: germline.
Comment: This sequence change creates a premature translational stop signal (p.Arg974Glyfs*23) in the MSH6 gene. It is expected to result in an absent or disrupted protein product. For these reasons, this variant has been classified as Pathogenic. Loss-of-function variants in MSH6 are known to be pathogenic (PMID: 18269114, 24362816). This variant has not been reported in the literature in individuals with MSH6-related disease. This variant is not present in population databases (ExAC no frequency).

Literature cited by the submitters: PubMed 18269114 (cited by Labcorp Genetics (formerly Invitae), Labcorp); PubMed 24362816 (cited by Labcorp Genetics (formerly Invitae), Labcorp).